The following is an entry in ClinVar:

NM_005751.5(AKAP9):c.2442A>C (p.Lys814Asn)

Gene: AKAP9 (A-kinase anchoring protein 9; plus strand). Cytogenetic location: 7q21.2.
Variant type: single nucleotide variant.
Coding change: c.2442A>C on transcript NM_005751.5 (MANE Select); coding-DNA position 2442, A replaced by C.
Protein change: p.Lys814Asn; replaces lysine 814 with asparagine.
Molecular consequence: missense variant.
Genome position (GRCh38, 1-based): chr7:92,002,359, A>C. VCF-style: chr7-92002359-A-C. GRCh37 (hg19) VCF-style: chr7-91631673-A-C.
Other names: c.2442A>C, p.Lys814Asn (NM_147185.3); short protein forms K814N.
Identifiers: ClinVar variation 4710383 (VCV004710383.1).

ClinVar aggregate classification (germline): Uncertain significance (1 of 4 stars; one submission).

Conditions:
Long QT syndrome (LQTS). Identifiers: MedGen C0023976, MeSH D008133, MONDO:0002442. Disease mechanism: loss of function. Inheritance: Various modes of inheritance.

Submission:

Labcorp Genetics (formerly Invitae), Labcorp
Classification: Uncertain significance for Long QT syndrome. Last evaluated: 2025-12-24. Review status: criteria provided, single submitter. Criteria: Invitae Variant Classification Sherloc (09022015). Collection method: clinical testing. Allele origin: germline.
Comment: This sequence change replaces lysine, which is basic and polar, with asparagine, which is neutral and polar, at codon 814 of the AKAP9 protein (p.Lys814Asn). This variant is not present in population databases (gnomAD no frequency). This variant has not been reported in the literature in individuals affected with AKAP9-related conditions. An algorithm developed to predict the effect of missense changes on protein structure and function (PolyPhen-2) suggests that this variant is likely to be tolerated. In summary, the available evidence is currently insufficient to determine the role of this variant in disease. Therefore, it has been classified as a Variant of Uncertain Significance.